The following is an entry in ClinVar:

NM_001286.5(CLCN6):c.228T>C (p.Tyr76=)

Gene: CLCN6 (Cl-/H+ antiporter 6; plus strand). Cytogenetic location: 1p36.22.
Variant type: single nucleotide variant.
Coding change: c.228T>C on transcript NM_001286.5 (MANE Select); coding-DNA position 228, T replaced by C.
Protein change: p.Tyr76=; no amino-acid change (tyrosine 76 retained).
Molecular consequence: synonymous variant. On other transcripts: non-coding transcript variant (1).
Genome position (GRCh38, 1-based): chr1:11,816,629, T>C. VCF-style: chr1-11816629-T-C. GRCh37 (hg19) VCF-style: chr1-11876686-T-C.
Other names: c.162T>C, p.Tyr54= (NM_001256959.2).
Identifiers: ClinVar variation 1648753 (VCV001648753.32), dbSNP rs200545314, ClinGen allele CA595954.

ClinVar aggregate classification (germline): Benign. Review status: criteria provided, multiple submitters, no conflicts (2 of 4 stars). 2 submissions from 2 submitters: Benign (2). Last evaluated 2025-10-02.

Allele frequency attached by ClinVar (database versions not stated): TOPMed 0.00017; 1000 Genomes Project 0.00020; gnomAD 0.00021 and 0.00023; gnomAD exomes 0.00026 and 0.00060; ExAC 0.00064; ESP Exome Variant Server 0.00008; 1000 Genomes Project 30x 0.00016.
gnomAD v4.1: 431 of 1,613,174 alleles (0.027%); highest among the groups gnomAD compares: Middle Eastern, 0.4%; 3 homozygotes.

Submissions (2):

Labcorp Genetics (formerly Invitae), Labcorp
Classification: Benign. Last evaluated: 2025-10-02. Review status: criteria provided, single submitter. Criteria: Invitae Variant Classification Sherloc (09022015). Collection method: clinical testing. Allele origin: germline.

CeGaT Center for Human Genetics Tuebingen
Classification: Benign. Last evaluated: 2022-06-01. Review status: criteria provided, single submitter. Criteria: CeGaT Center For Human Genetics Tuebingen Variant Classification Criteria Version 2. Collection method: clinical testing. Allele origin: germline. Affected: yes. Observed: 1 variant allele.
Comment: CLCN6: BS1, BS2